The following is an entry in ClinVar:

NM_021729.6(VPS11):c.2575A>G (p.Thr859Ala)

Gene: VPS11 (VPS11 core subunit of CORVET and HOPS complexes; plus strand). Cytogenetic location: 11q23.3.
Variant type: single nucleotide variant.
Coding change: c.2575A>G on transcript NM_021729.6 (MANE Select); coding-DNA position 2575, A replaced by G.
Protein change: p.Thr859Ala; replaces threonine 859 with alanine.
Molecular consequence: missense variant. On other transcripts: non-coding transcript variant (8).
Genome position (GRCh38, 1-based): chr11:119,081,228, A>G. VCF-style: chr11-119081228-A-G. GRCh37 (hg19) VCF-style: chr11-118951938-A-G.
Other names: c.2545A>G, p.Thr849Ala (NM_001290185.2); c.2587A>G, p.Thr863Ala (NM_001378218.1, NM_001378219.1); c.2560A>G, p.Thr854Ala (NM_001378220.1); c.2557A>G, p.Thr853Ala (NM_001378221.1); short protein forms T853A, T854A, T849A, T859A, T863A.
Identifiers: ClinVar variation 1345820 (VCV001345820.6), dbSNP rs2134812773, ClinGen allele CA382980410.

ClinVar aggregate classification (germline): Uncertain significance (1 of 4 stars; one submission).

Submission:

Labcorp Genetics (formerly Invitae), Labcorp
Classification: Uncertain significance. Last evaluated: 2021-10-20. Review status: criteria provided, single submitter. Criteria: Invitae Variant Classification Sherloc (09022015). Collection method: clinical testing. Allele origin: germline.
Comment: In summary, the available evidence is currently insufficient to determine the role of this variant in disease. Therefore, it has been classified as a Variant of Uncertain Significance. Experimental studies and prediction algorithms are not available or were not evaluated, and the functional significance of this variant is currently unknown. This variant has not been reported in the literature in individuals affected with VPS11-related conditions. This variant is not present in population databases (ExAC no frequency). This sequence change replaces threonine with alanine at codon 859 of the VPS11 protein (p.Thr859Ala). There is a small physicochemical difference between threonine and alanine.